The following is an entry in ClinVar:

ClinVar aggregate classification (germline): Uncertain significance (1 of 4 stars; one submission).

Allele frequency attached by ClinVar (database versions not stated): gnomAD exomes below 0.00001.
gnomAD v4.1: 1 of 1,605,718 alleles (0.000062%); highest among the groups gnomAD compares: Non-Finnish European, 0.000085%; no homozygotes.

Submission:

Labcorp Genetics (formerly Invitae), Labcorp
Classification: Uncertain significance. Last evaluated: 2022-02-10. Review status: criteria provided, single submitter. Criteria: Invitae Variant Classification Sherloc (09022015). Collection method: clinical testing. Allele origin: germline.
Comment: In summary, the available evidence is currently insufficient to determine the role of this variant in disease. Therefore, it has been classified as a Variant of Uncertain Significance. Algorithms developed to predict the effect of missense changes on protein structure and function output the following: SIFT: "Deleterious"; PolyPhen-2: "Benign"; Align-GVGD: "Class C0". The methionine amino acid residue is found in multiple mammalian species, which suggests that this missense change does not adversely affect protein function. This variant has not been reported in the literature in individuals affected with REST-related conditions. This variant is not present in population databases (gnomAD no frequency). This sequence change replaces isoleucine, which is neutral and non-polar, with methionine, which is neutral and non-polar, at codon 644 of the REST protein (p.Ile644Met).

NM_005612.5(REST):c.1932A>G (p.Ile644Met)

Gene: REST (RE1 silencing transcription factor; plus strand). Cytogenetic location: 4q12.
Variant type: single nucleotide variant.
Coding change: c.1932A>G on transcript NM_005612.5 (MANE Select); coding-DNA position 1932, A replaced by G.
Protein change: p.Ile644Met; replaces isoleucine 644 with methionine.
Molecular consequence: missense variant.
Genome position (GRCh38, 1-based): chr4:56,930,790, A>G. VCF-style: chr4-56930790-A-G. GRCh37 (hg19) VCF-style: chr4-57796956-A-G.
Other names: c.1932A>G, p.Ile644Met (NM_001193508.2, NM_001363453.3); short protein forms I644M.
Identifiers: ClinVar variation 1961708 (VCV001961708.5), dbSNP rs1720926683, ClinGen allele CA357007731.
Genomic context (GRCh38, chr4:56,930,790, plus strand): 5'-GCCCGTTCAGGTGGAGCCGCCACCTCCCATGGAGCATGCTCAGATGGAGGGTGCCCAGAT[A>G]CGGCCTGCTCCTGACGAGCCTGTTCAGATGGAGGTGGTTCAGGAGGGGCCTGCTCAGAAG-3'
Protein context (NP_005603.3, residues 634-654): MEHAQMEGAQ[Ile644Met]RPAPDEPVQM